The following is an entry in ClinVar:

ClinVar aggregate classification (germline): Uncertain significance (1 of 4 stars; one submission).

Conditions:
Glycine encephalopathy. Also called: Non-ketotic hyperglycinemia; Nonketotic hyperglycinemia. Identifiers: Orphanet 407, MedGen C0751748, MONDO:0011612, HP:0008288.

Submission:

Labcorp Genetics (formerly Invitae), Labcorp
Classification: Uncertain significance for Glycine encephalopathy. Last evaluated: 2021-09-02. Review status: criteria provided, single submitter. Criteria: Invitae Variant Classification Sherloc (09022015). Collection method: clinical testing. Allele origin: germline.
Comment: This sequence change replaces valine with methionine at codon 209 of the AMT protein (p.Val209Met). The valine residue is moderately conserved and there is a small physicochemical difference between valine and methionine. This variant is not present in population databases (ExAC no frequency). This variant has not been reported in the literature in individuals affected with AMT-related conditions. Algorithms developed to predict the effect of missense changes on protein structure and function (SIFT, PolyPhen-2, Align-GVGD) all suggest that this variant is likely to be tolerated. In summary, the available evidence is currently insufficient to determine the role of this variant in disease. Therefore, it has been classified as a Variant of Uncertain Significance.

NM_000481.4(AMT):c.625G>A (p.Val209Met)

Gene: AMT (aminomethyltransferase; minus strand). Cytogenetic location: 3p21.31.
Variant type: single nucleotide variant.
Coding change: c.625G>A on transcript NM_000481.4 (MANE Select); coding-DNA position 625, G replaced by A.
Protein change: p.Val209Met; replaces valine 209 with methionine.
Molecular consequence: missense variant. On other transcripts: non-coding transcript variant (1).
Genome position (GRCh38, 1-based): chr3:49,419,331, C>T on the plus strand (G>A on the coding strand, the complement: AMT is on the minus strand). VCF-style: chr3-49419331-C-T. GRCh37 (hg19) VCF-style: chr3-49456764-C-T.
Other names: c.493G>A, p.Val165Met (NM_001164710.2); c.457G>A, p.Val153Met (NM_001164711.2); c.625G>A, p.Val209Met (NM_001164712.2); short protein forms V165M, V209M, V153M.
Identifiers: ClinVar variation 657438 (VCV000657438.3), dbSNP rs370287514, ClinGen allele CA352790185.